The following is an entry in ClinVar:

NM_004064.5(CDKN1B):c.186del (p.Phe62fs)

Gene: CDKN1B (cyclin dependent kinase inhibitor 1B; plus strand). Cytogenetic location: 12p13.1.
Variant type: Deletion.
Coding change: c.186del on transcript NM_004064.5 (MANE Select); coding-DNA position 186, one base deleted (C; older notation c.186delC).
Protein change: p.Phe62fs; shifts the reading frame from phenylalanine 62.
Molecular consequence: frameshift variant.
Genome position (GRCh38, 1-based): chr12:12,718,025, C deleted. VCF-style (leftmost placement, unchanged base first): chr12-12718024-TC-T. GRCh37 (hg19) VCF-style: chr12-12870958-TC-T.
Other names: short protein forms F62fs.
Identifiers: ClinVar variation 1068845 (VCV001068845.7), dbSNP rs2136355743, ClinGen allele CA2499221484.

ClinVar aggregate classification (germline): Pathogenic (1 of 4 stars; one submission).

Conditions:
Multiple endocrine neoplasia type 4. Also called: MULTIPLE ENDOCRINE NEOPLASIA, TYPE IV. Identifiers: Orphanet 276152, MedGen C1970712, MONDO:0012552, OMIM 610755.

Submission:

Labcorp Genetics (formerly Invitae), Labcorp
Classification: Pathogenic for Multiple endocrine neoplasia type 4. Last evaluated: 2024-04-10. Review status: criteria provided, single submitter. Criteria: Invitae Variant Classification Sherloc (09022015). Collection method: clinical testing. Allele origin: germline.
Comment: This sequence change creates a premature translational stop signal (p.Phe62Leufs*9) in the CDKN1B gene. It is expected to result in an absent or disrupted protein product. Loss-of-function variants in CDKN1B are known to be pathogenic (PMID: 17030811, 24819502). This variant is not present in population databases (gnomAD no frequency). This variant has not been reported in the literature in individuals affected with CDKN1B-related conditions. ClinVar contains an entry for this variant (Variation ID: 1068845). For these reasons, this variant has been classified as Pathogenic.

Literature cited by the submitters: PubMed 17030811; PubMed 24819502.